The following is an entry in ClinVar:

ClinVar aggregate classification (germline): Likely pathogenic (1 of 4 stars; one submission).

Conditions:
Charlevoix-Saguenay spastic ataxia (SACS). Also called: AUTOSOMAL RECESSIVE SPASTIC ATAXIA OF CHARLEVOIX-SAGUENAY; Spastic ataxia of Charlevoix-Saguenay; SPASTIC ATAXIA 6, AUTOSOMAL RECESSIVE. Identifiers: Orphanet 98, MedGen C1849140, MONDO:0010041, OMIM 270550.

Submission:

Natera, Inc.
Classification: Likely pathogenic for Charlevoix-Saguenay type spastic ataxia. Last evaluated: 2024-03-23. Review status: criteria provided, single submitter. Criteria: Natera Variant Classification Schema (03/2026). Collection method: clinical testing. Allele origin: germline.
Comment: The c.10481T>A variant in SACS is a nonsense variant predicted to introduce a stop codon at amino acid 3494. This variant is expected to result in nonsense mediated decay, truncation, or a dysfunctional protein product. This variant is rare in the general population with a frequency below the threshold expected for the associated phenotype(s). Given the available evidence, this variant is classified as Likely Pathogenic.

NM_014363.6(SACS):c.10481T>A (p.Leu3494Ter)

Gene: SACS (sacsin molecular chaperone; minus strand). Cytogenetic location: 13q12.12.
Variant type: single nucleotide variant.
Coding change: c.10481T>A on transcript NM_014363.6 (MANE Select); coding-DNA position 10481, T replaced by A.
Protein change: p.Leu3494Ter; replaces leucine 3494 with a stop codon.
Molecular consequence: nonsense.
Genome position (GRCh38, 1-based): chr13:23,333,395, A>T on the plus strand (T>A on the coding strand, the complement: SACS is on the minus strand). VCF-style: chr13-23333395-A-T. GRCh37 (hg19) VCF-style: chr13-23907534-A-T.
Other names: c.10040T>A, p.Leu3347Ter (NM_001278055.2); c.10508T>A, p.Leu3503Ter (NM_001437336.1); short protein forms L3347*, L3494*, L3503*.
Identifiers: ClinVar variation 4815668 (VCV004815668.1).
Genomic context (GRCh38, chr13:23,333,395, plus strand): 5'-TTAATCTCTGATAATTCCTCAGCACTTGATAATCTATTCTTAAGGTAGATCAAGTGCTCT[A>T]ATTTTGCATCATAAGAGAGATTTTCAATTTTTGGTAAGAGGTGTTTCAAATATACCTCAA-3'